The following is an entry in ClinVar:

NM_000101.4(CYBA):c.578_*3del (p.Glu193fs)

Gene: CYBA (cytochrome b-245 alpha chain; minus strand). Cytogenetic location: 16q24.2.
Variant type: Deletion.
Coding change: c.578_*3del on transcript NM_000101.4 (MANE Select); coding-DNA position 578 through 3 bases downstream of the stop codon, 14 bases deleted (AGGTCGTGTGACCT).
Protein change: p.Glu193fs; shifts the reading frame from glutamic acid 193.
Molecular consequence: frameshift variant.
Genome position (GRCh38, 1-based): chr16:88,643,350-88,643,363, AGGTCACACGACCT deleted on the plus strand (AGGTCGTGTGACCT on the coding strand, the reverse complement: CYBA is on the minus strand). VCF-style (leftmost placement, unchanged base first): chr16-88643349-GAGGTCACACGACCT-G. GRCh37 (hg19) VCF-style: chr16-88709757-GAGGTCACACGACCT-G.
Other names: short protein forms E193fs.
Identifiers: ClinVar variation 3674537 (VCV003674537.2).

ClinVar aggregate classification (germline): Uncertain significance (1 of 4 stars; one submission).

Conditions:
Granulomatous disease, chronic, autosomal recessive, cytochrome b-negative. Also called: CGD DUE TO DEFICIENCY OF THE ALPHA SUBUNIT OF CYTOCHROME b; CGD, AUTOSOMAL RECESSIVE CYTOCHROME b-NEGATIVE; CYBA DEFICIENCY; GRANULOMATOUS DISEASE, CHRONIC, AUTOSOMAL RECESSIVE, 4; Chronic granulomatous disease, autosomal, due to deficiency of CYBA. Identifiers: Orphanet 379, MedGen C1856255, MONDO:0009308, OMIM 233690.

Submission:

Labcorp Genetics (formerly Invitae), Labcorp
Classification: Uncertain significance for Granulomatous disease, chronic, autosomal recessive, cytochrome b-negative. Last evaluated: 2024-08-16. Review status: criteria provided, single submitter. Criteria: Invitae Variant Classification Sherloc (09022015). Collection method: clinical testing. Allele origin: germline.
Comment: This sequence change disrupts the translational stop signal of the CYBA mRNA. It is expected to extend the length of the CYBA protein by 11 additional amino acid residues. The frequency data for this variant in the population databases is considered unreliable, as metrics indicate poor data quality at this position in the gnomAD database. This variant has not been reported in the literature in individuals affected with CYBA-related conditions. In summary, the available evidence is currently insufficient to determine the role of this variant in disease. Therefore, it has been classified as a Variant of Uncertain Significance.